The following is an entry in ClinVar:

ClinVar aggregate classification (germline): Benign/Likely benign. Review status: criteria provided, multiple submitters, no conflicts (2 of 4 stars). 6 submissions from 5 submitters: Benign (5); Likely benign (1). Last evaluated 2026-01-26.

Conditions:
Syndactyly. Also called: Webbed fingers or toes. Identifiers: MedGen C0039075, MONDO:0021002, HP:0001159.
Spondylocostal dysostosis 1, autosomal recessive (SCDO1). Also called: DLL3-Related Spondylocostal Dysostosis, Autosomal Recessive. Identifiers: Orphanet 2311, MedGen CN032975, MONDO:0020692, OMIM 277300.

Allele frequency attached by ClinVar (database versions not stated): ESP Exome Variant Server 0.00268; 1000 Genomes Project 30x 0.00344; 1000 Genomes Project 0.00359; gnomAD 0.00430 and 0.00458; TOPMed 0.00462; ExAC 0.00514.

Submissions (6):

Labcorp Genetics (formerly Invitae), Labcorp
Classification: Benign. Last evaluated: 2026-01-26. Review status: criteria provided, single submitter. Criteria: Invitae Variant Classification Sherloc (09022015). Collection method: clinical testing. Allele origin: germline.

Blueprint Genetics
Classification: Likely benign. Last evaluated: 2024-11-11. Review status: criteria provided, single submitter. Criteria: ACMG Guidelines, 2015. Collection method: clinical testing. Allele origin: germline.

Illumina Laboratory Services, Illumina
Classification: Benign for Spondylocostal dysostosis 1, autosomal recessive. Last evaluated: 2018-01-12. Review status: criteria provided, single submitter. Criteria: ICSL Variant Classification Criteria 13 December 2019. Collection method: clinical testing. Allele origin: germline.
Comment: This variant was observed in the ICSL laboratory as part of a predisposition screen in an ostensibly healthy population. It had not been previously curated by ICSL or reported in the Human Gene Mutation Database (HGMD: prior to June 1st, 2018), and was therefore a candidate for classification through an automated scoring system. Utilizing variant allele frequency, disease prevalence and penetrance estimates, and inheritance mode, an automated score was calculated to assess if this variant is too frequent to cause the disease. Based on the score and internal cut-off values, a variant classified as benign is not then subjected to further curation. The score for this variant resulted in a classification of benign for this disease.

Illumina Laboratory Services, Illumina
Classification: Benign for Non-syndromic syndactyly. Last evaluated: 2018-01-12. Review status: criteria provided, single submitter. Criteria: ICSL Variant Classification Criteria 13 December 2019. Collection method: clinical testing. Allele origin: germline.
Comment: the same text as in the submission from Illumina Laboratory Services, Illumina above.

ARUP Laboratories, Molecular Genetics and Genomics, ARUP Laboratories
Classification: Benign. Last evaluated: 2017-10-22. Review status: criteria provided, single submitter. Criteria: ARUP Molecular Germline Variant Investigation Process. Collection method: clinical testing. Allele origin: germline.

GeneDx
Classification: Benign. Last evaluated: 2016-10-10. Review status: criteria provided, single submitter. Criteria: GeneDx Variant Classification (06012015). Collection method: clinical testing. Allele origin: germline. Affected: yes.
Comment: This variant is considered likely benign or benign based on one or more of the following criteria: it is a conservative change, it occurs at a poorly conserved position in the protein, it is predicted to be benign by multiple in silico algorithms, and/or has population frequency not consistent with disease.

NM_203486.3(DLL3):c.1143C>T (p.Ala381=)

Gene: DLL3 (delta like canonical Notch ligand 3; plus strand). Cytogenetic location: 19q13.2.
Variant type: single nucleotide variant.
Coding change: c.1143C>T on transcript NM_203486.3 (MANE Select); coding-DNA position 1143, C replaced by T.
Protein change: p.Ala381=; no amino-acid change (alanine 381 retained).
Molecular consequence: synonymous variant.
Genome position (GRCh38, 1-based): chr19:39,507,088, C>T. VCF-style: chr19-39507088-C-T. GRCh37 (hg19) VCF-style: chr19-39997728-C-T.
Other names: c.1143C>T, p.Ala381= (NM_016941.4).
Identifiers: ClinVar variation 329237 (VCV000329237.23), dbSNP rs367573123, ClinGen allele CA9432381.
Genomic context (GRCh38, chr19:39,507,088, plus strand): 5'-CTTCCCCACAGGCGGACTCTGCCTGGACCTGGGCCACGCCCTGCGCTGCCGCTGCCGCGC[C>T]GGCTTCGCGGGTCCTCGCTGCGAGCACGACCTGGACGACTGCGCGGGCCGCGCCTGCGCT-3'
Protein context (NP_982353.1, residues 371-391): LGHALRCRCR[Ala381=]GFAGPRCEHD